The following is an entry in ClinVar:

ClinVar aggregate classification (germline): Uncertain significance. Review status: criteria provided, multiple submitters, no conflicts (2 of 4 stars). 3 submissions from 3 submitters: Uncertain significance (3). Last evaluated 2025-05-10.

Conditions:
Gorlin syndrome. Also called: Basal cell nevus syndrome; Nevoid Basal Cell Carcinoma Syndrome. Identifiers: Orphanet 377, MedGen C0004779, MONDO:0007187.
Hereditary cancer-predisposing syndrome. Also called: Neoplastic Syndromes, Hereditary; Hereditary Cancer Syndrome; Tumor predisposition; Hereditary neoplastic syndrome. Identifiers: Orphanet 140162, MedGen C0027672, MeSH D009386, MONDO:0015356.

Allele frequency attached by ClinVar (database versions not stated): gnomAD exomes below 0.00001.

Submissions (3):

Ambry Genetics
Classification: Uncertain significance for Hereditary cancer-predisposing syndrome. Last evaluated: 2025-05-10. Review status: criteria provided, single submitter. Criteria: Ambry Variant Classification Scheme 2023. Collection method: clinical testing. Allele origin: germline.
Comment: The p.N386S variant (also known as c.1157A>G), located in coding exon 8 of the PTCH1 gene, results from an A to G substitution at nucleotide position 1157. The asparagine at codon 386 is replaced by serine, an amino acid with highly similar properties. This amino acid position is well conserved in available vertebrate species. In addition, this alteration is predicted to be tolerated by in silico analysis. Since supporting evidence is limited at this time, the clinical significance of this alteration remains unclear.

Labcorp Genetics (formerly Invitae), Labcorp
Classification: Uncertain significance for Gorlin syndrome. Last evaluated: 2025-03-09. Review status: criteria provided, single submitter. Criteria: Invitae Variant Classification Sherloc (09022015). Collection method: clinical testing. Allele origin: germline.
Comment: This sequence change replaces asparagine, which is neutral and polar, with serine, which is neutral and polar, at codon 386 of the PTCH1 protein (p.Asn386Ser). This variant is not present in population databases (gnomAD no frequency). This variant has not been reported in the literature in individuals affected with PTCH1-related conditions. ClinVar contains an entry for this variant (Variation ID: 581821). Invitae Evidence Modeling of protein sequence and biophysical properties (such as structural, functional, and spatial information, amino acid conservation, physicochemical variation, residue mobility, and thermodynamic stability) indicates that this missense variant is not expected to disrupt PTCH1 protein function with a negative predictive value of 95%. In summary, the available evidence is currently insufficient to determine the role of this variant in disease. Therefore, it has been classified as a Variant of Uncertain Significance.

Quest Diagnostics Nichols Institute San Juan Capistrano
Classification: Uncertain significance. Last evaluated: 2024-06-27. Review status: criteria provided, single submitter. Criteria: Quest Diagnostics criteria. Collection method: clinical testing. Allele origin: unknown.
Comment: The PTCH1 c.1157A>G (p.Asn386Ser) variant has not been reported in individuals with PTCH1-related conditions in the published literature. It also has not been reported in large, multi-ethnic general populations (Genome Aggregation Database). Analysis of this variant using bioinformatics tools for the prediction of the effect of amino acid changes on protein structure and function yielded predictions that this variant is benign. Based on the available information, we are unable to determine the clinical significance of this variant.

NM_000264.5(PTCH1):c.1157A>G (p.Asn386Ser)

Gene: PTCH1 (patched 1; minus strand). Cytogenetic location: 9q22.32.
Variant type: single nucleotide variant.
Coding change: c.1157A>G on transcript NM_000264.5 (MANE Select); coding-DNA position 1157, A replaced by G.
Protein change: p.Asn386Ser; replaces asparagine 386 with serine.
Molecular consequence: missense variant. On other transcripts: non-coding transcript variant (1).
Genome position (GRCh38, 1-based): chr9:95,479,058, T>C on the plus strand (A>G on the coding strand, the complement: PTCH1 is on the minus strand). VCF-style: chr9-95479058-T-C. GRCh37 (hg19) VCF-style: chr9-98241340-T-C.
Other names: c.1157A>G (NM_000264.4); c.959A>G, p.Asn320Ser (NM_001083602.3); c.1154A>G, p.Asn385Ser (NM_001083603.3); c.704A>G, p.Asn235Ser (NM_001083604.3, NM_001083605.3, NM_001083606.3 and 1 more transcripts); c.1157A>G, p.Asn386Ser (NM_001354918.2); short protein forms N386S, N320S, N385S, N235S.
Identifiers: ClinVar variation 581821 (VCV000581821.13), dbSNP rs1564053157, ClinGen allele CA374119336.